The following is an entry in ClinVar:

NM_001378778.1(MPDZ):c.2884A>G (p.Ile962Val)

Gene: MPDZ (multiple PDZ domain crumbs cell polarity complex component; minus strand). Cytogenetic location: 9p23.
Variant type: single nucleotide variant.
Coding change: c.2884A>G on transcript NM_001378778.1 (MANE Select); coding-DNA position 2884, A replaced by G.
Protein change: p.Ile962Val; replaces isoleucine 962 with valine.
Molecular consequence: missense variant.
Genome position (GRCh38, 1-based): chr9:13,176,183, T>C on the plus strand (A>G on the coding strand, the complement: MPDZ is on the minus strand). VCF-style: chr9-13176183-T-C. GRCh37 (hg19) VCF-style: chr9-13176182-T-C.
Other names: c.2884A>G, p.Ile962Val (NM_001261406.2, NM_001261407.2, NM_001330637.2 and 14 more transcripts); c.2884A>G (NM_003829.3); short protein forms I962V.
Identifiers: ClinVar variation 1915877 (VCV001915877.4), dbSNP rs765723567, ClinGen allele CA4987344.
Genomic context (GRCh38, chr9:13,176,183, plus strand): 5'-TTTAAAATATTACCTTTCCAGCTGAATCGGGTAGCACAGAAGGAAGTTCTGCACTTGATA[T>C]AACTTCACTTGGTAAATGAGATTCAGTCCACACTATTGTGTTTTCACATTCATATTGTTG-3'
Protein context (NP_001365707.1, residues 952-972): WTESHLPSEV[Ile962Val]SSAELPSVLP

ClinVar aggregate classification (germline): Uncertain significance. Review status: criteria provided, multiple submitters, no conflicts (2 of 4 stars). 2 submissions from 2 submitters: Uncertain significance (2). Last evaluated 2025-02-07.

Conditions:
Inborn genetic diseases. Identifiers: MedGen C0950123, MeSH D030342.

Allele frequency attached by ClinVar (database versions not stated): ExAC 0.00003; gnomAD 0.00003; TOPMed 0.00004.
gnomAD v4.1: 12 of 1,603,672 alleles (0.00075%); highest among the groups gnomAD compares: African/African-American, 0.008%; no homozygotes.

Submissions (2):

Ambry Genetics
Classification: Uncertain significance for Inborn genetic diseases. Last evaluated: 2025-02-07. Review status: criteria provided, single submitter. Criteria: Ambry Variant Classification Scheme 2023. Collection method: clinical testing. Allele origin: germline.

Labcorp Genetics (formerly Invitae), Labcorp
Classification: Uncertain significance. Last evaluated: 2022-06-02. Review status: criteria provided, single submitter. Criteria: Invitae Variant Classification Sherloc (09022015). Collection method: clinical testing. Allele origin: germline.
Comment: This sequence change replaces isoleucine, which is neutral and non-polar, with valine, which is neutral and non-polar, at codon 962 of the MPDZ protein (p.Ile962Val). The frequency data for this variant in the population databases is considered unreliable, as metrics indicate poor data quality at this position in the gnomAD database. This variant has not been reported in the literature in individuals affected with MPDZ-related conditions. Algorithms developed to predict the effect of missense changes on protein structure and function output the following: SIFT: "Tolerated"; PolyPhen-2: "Benign"; Align-GVGD: "Class C0". The valine amino acid residue is found in multiple mammalian species, which suggests that this missense change does not adversely affect protein function. In summary, the available evidence is currently insufficient to determine the role of this variant in disease. Therefore, it has been classified as a Variant of Uncertain Significance.